The following is an entry in ClinVar:

ClinVar aggregate classification (germline): Uncertain significance (1 of 4 stars; one submission).

Allele frequency attached by ClinVar (database versions not stated): gnomAD 0.00001.
gnomAD v4.1: 1 of 1,614,042 alleles (0.000062%); highest among the groups gnomAD compares: East Asian, 0.0022%; no homozygotes.

Submission:

Ambry Genetics
Classification: Uncertain significance. Last evaluated: 2022-02-22. Review status: criteria provided, single submitter. Criteria: Ambry Variant Classification Scheme 2023. Collection method: clinical testing. Allele origin: germline.
Comment: The p.P312S variant (also known as c.934C>T), located in coding exon 3 of the ALPK2 gene, results from a C to T substitution at nucleotide position 934. The proline at codon 312 is replaced by serine, an amino acid with similar properties. This amino acid position is conserved. In addition, this alteration is predicted to be tolerated by in silico analysis. Since supporting evidence is limited at this time, the clinical significance of this alteration remains unclear.

NM_052947.4(ALPK2):c.934C>T (p.Pro312Ser)

Genes: ALPK2 (alpha kinase 2; minus strand), LOC114803473 (ALPK2 eExon liver enhancer; plus strand). Cytogenetic location: 18q21.31.
Variant type: single nucleotide variant.
Coding change: c.934C>T on transcript NM_052947.4 (MANE Select); coding-DNA position 934, C replaced by T.
Protein change: p.Pro312Ser; replaces proline 312 with serine.
Molecular consequence: missense variant.
Genome position (GRCh38, 1-based): chr18:58,579,842, G>A on the plus strand (C>T on the coding strand, the complement: ALPK2 is on the minus strand). VCF-style: chr18-58579842-G-A. GRCh37 (hg19) VCF-style: chr18-56247074-G-A.
Other names: short protein forms P312S.
Identifiers: ClinVar variation 1766654 (VCV001766654.2), dbSNP rs1236637726, ClinGen allele CA402566699.